The following is an entry in ClinVar:

NM_001211.6(BUB1B):c.3127A>C (p.Ser1043Arg)

Genes: BUB1B-PAK6 (BUB1B-PAK6 readthrough; plus strand), BUB1B (BUB1 mitotic checkpoint serine/threonine kinase B; plus strand). Cytogenetic location: 15q15.1.
Variant type: single nucleotide variant.
Coding change: c.3127A>C on transcript NM_001211.6 (MANE Select); coding-DNA position 3127, A replaced by C.
Protein change: p.Ser1043Arg; replaces serine 1043 with arginine.
Molecular consequence: missense variant. On other transcripts: intron variant (2).
Genome position (GRCh38, 1-based): chr15:40,220,733, A>C. VCF-style: chr15-40220733-A-C. GRCh37 (hg19) VCF-style: chr15-40512934-A-C.
Other names: c.-201+3066A>C (NM_001128628.3); c.-118+3066A>C (NM_001128629.3); short protein forms S1043R.
Identifiers: ClinVar variation 3483179 (VCV003483179.1).

ClinVar aggregate classification (germline): Uncertain significance (1 of 4 stars; one submission).

Conditions:
Inborn genetic diseases. Identifiers: MedGen C0950123, MeSH D030342.

gnomAD v4.1: 1 of 1,614,086 alleles (0.000062%); highest among the groups gnomAD compares: African/African-American, 0.0013%; no homozygotes.

Submission:

Ambry Genetics
Classification: Uncertain significance for Inborn genetic diseases. Last evaluated: 2024-08-22. Review status: criteria provided, single submitter. Criteria: Ambry Variant Classification Scheme 2023. Collection method: clinical testing. Allele origin: germline.
Comment: The p.S1043R variant (also known as c.3127A>C), located in coding exon 23 of the BUB1B gene, results from an A to C substitution at nucleotide position 3127. The serine at codon 1043 is replaced by arginine, an amino acid with dissimilar properties. This amino acid position is conserved. In addition, this alteration is predicted to be tolerated by in silico analysis. Based on the available evidence, the clinical significance of this variant remains unclear.